The following is an entry in ClinVar:

ClinVar aggregate classification (germline): Likely benign (1 of 4 stars; one submission).

Allele frequency attached by ClinVar (database versions not stated): gnomAD exomes 0.00026; gnomAD 0.00303 and 0.00325; TOPMed 0.00333; 1000 Genomes Project 30x 0.00375; 1000 Genomes Project 0.00399.
gnomAD v4.1: 617 of 762,812 alleles (0.081%); highest among the groups gnomAD compares: African/African-American, 1%; 3 homozygotes.

Submission:

GeneDx
Classification: Likely benign. Last evaluated: 2018-06-16. Review status: criteria provided, single submitter. Criteria: GeneDx Variant Classification (06012015). Collection method: clinical testing. Allele origin: germline. Affected: yes.
Comment: This variant is considered likely benign or benign based on one or more of the following criteria: it is a conservative change, it occurs at a poorly conserved position in the protein, it is predicted to be benign by multiple in silico algorithms, and/or has population frequency not consistent with disease.

NM_003480.4(MFAP5):c.247+151T>C

Gene: MFAP5 (microfibril associated protein 5; minus strand). Cytogenetic location: 12p13.31.
Variant type: single nucleotide variant.
Coding change: c.247+151T>C on transcript NM_003480.4 (MANE Select); 151 bases into the intron after coding-DNA position 247, T replaced by C.
Molecular consequence: intron variant.
Genome position (GRCh38, 1-based): chr12:8,651,511, A>G on the plus strand (T>C on the coding strand, the complement: MFAP5 is on the minus strand). VCF-style: chr12-8651511-A-G. GRCh37 (hg19) VCF-style: chr12-8804107-A-G.
Other names: c.182-922T>C (NM_001297710.2); c.173-922T>C (NM_001297711.2); c.217+2926T>C (NM_001297712.2); c.218-922T>C (NM_001297709.2).
Identifiers: ClinVar variation 678584 (VCV000678584.1), dbSNP rs115508526, ClinGen allele CA232306029.